The following is an entry in ClinVar:

ClinVar aggregate classification (germline): Uncertain significance (1 of 4 stars; one submission).

Conditions:
Cone-rod dystrophy 2 (CORD2). Also called: CONE-ROD RETINAL DYSTROPHY; Cone-rod retinal dystrophy 2. Identifiers: Orphanet 1872, MedGen C3489532, MONDO:0007362, OMIM 120970.
Leber congenital amaurosis 7 (LCA7). Identifiers: Orphanet 65, MedGen C3151192, MONDO:0013449, OMIM 613829.

Submission:

Labcorp Genetics (formerly Invitae), Labcorp
Classification: Uncertain significance for Cone-rod dystrophy 2; Leber congenital amaurosis 7. Last evaluated: 2020-01-08. Review status: criteria provided, single submitter. Criteria: Invitae Variant Classification Sherloc (09022015). Collection method: clinical testing. Allele origin: germline.
Comment: In summary, the available evidence is currently insufficient to determine the role of this variant in disease. Therefore, it has been classified as a Variant of Uncertain Significance. Nucleotide substitutions within the consensus splice site are a relatively common cause of aberrant splicing (PMID: 17576681, 9536098). Algorithms developed to predict the effect of sequence changes on RNA splicing suggest that this variant may disrupt the consensus splice site, but this prediction has not been confirmed by published transcriptional studies. This variant has not been reported in the literature in individuals with CRX-related conditions. This variant is not present in population databases (ExAC no frequency). This sequence change falls in intron 2 of the CRX gene. It does not directly change the encoded amino acid sequence of the CRX protein, but it affects a nucleotide within the consensus splice site of the intron.

Literature cited by the submitters: PubMed 17576681; PubMed 9536098.

NM_000554.6(CRX):c.100+3G>C

Gene: CRX (cone-rod homeobox; plus strand). Cytogenetic location: 19q13.33.
Variant type: single nucleotide variant.
Coding change: c.100+3G>C on transcript NM_000554.6 (MANE Select); 3 bases into the intron after coding-DNA position 100, G replaced by C.
Molecular consequence: intron variant.
Genome position (GRCh38, 1-based): chr19:47,834,546, G>C. VCF-style: chr19-47834546-G-C. GRCh37 (hg19) VCF-style: chr19-48337803-G-C.
Identifiers: ClinVar variation 969278 (VCV000969278.9), dbSNP rs1568624171, ClinGen allele CA1139666500.